The following is an entry in ClinVar:

NM_005228.5(EGFR):c.3602C>T (p.Ala1201Val)

Gene: EGFR (epidermal growth factor receptor; plus strand). Cytogenetic location: 7p11.2.
Variant type: single nucleotide variant.
Coding change: c.3602C>T on transcript NM_005228.5 (MANE Select); coding-DNA position 3602, C replaced by T.
Protein change: p.Ala1201Val; replaces alanine 1201 with valine.
Molecular consequence: missense variant.
Genome position (GRCh38, 1-based): chr7:55,205,586, C>T. VCF-style: chr7-55205586-C-T. GRCh37 (hg19) VCF-style: chr7-55273279-C-T.
Other names: c.3467C>T, p.Ala1156Val (NM_001346899.2); c.3443C>T, p.Ala1148Val (NM_001346900.2); c.2801C>T, p.Ala934Val (NM_001346941.2); short protein forms A934V, A1148V, A1156V, A1201V.
Identifiers: ClinVar variation 841924 (VCV000841924.11), dbSNP rs201717672, ClinGen allele CA4266435.

ClinVar aggregate classification (germline): Uncertain significance. Review status: criteria provided, multiple submitters, no conflicts (2 of 4 stars). 2 submissions from 2 submitters: Uncertain significance (2). Last evaluated 2025-10-26.

Conditions:
EGFR-related lung cancer (EGFR). Identifiers: MedGen CN130014.
Hereditary cancer-predisposing syndrome. Also called: Hereditary Cancer Syndrome; Hereditary neoplastic syndrome; Tumor predisposition; Neoplastic Syndromes, Hereditary. Identifiers: Orphanet 140162, MedGen C0027672, MeSH D009386, MONDO:0015356.

Allele frequency attached by ClinVar (database versions not stated): gnomAD exomes below 0.00001; ExAC 0.00001; TOPMed 0.00002; 1000 Genomes Project 0.00020; 1000 Genomes Project 30x 0.00031.
gnomAD v4.1: 8 of 1,614,128 alleles (0.0005%); highest among the groups gnomAD compares: African/African-American, 0.0013%; no homozygotes.

Submissions (2):

Labcorp Genetics (formerly Invitae), Labcorp
Classification: Uncertain significance for EGFR-related lung cancer. Last evaluated: 2025-10-26. Review status: criteria provided, single submitter. Criteria: Invitae Variant Classification Sherloc (09022015). Collection method: clinical testing. Allele origin: germline.
Comment: This sequence change replaces alanine, which is neutral and non-polar, with valine, which is neutral and non-polar, at codon 1201 of the EGFR protein (p.Ala1201Val). This variant is present in population databases (rs201717672, gnomAD 0.0009%). This variant has not been reported in the literature in individuals affected with EGFR-related conditions. ClinVar contains an entry for this variant (Variation ID: 841924). An algorithm developed to predict the effect of missense changes on protein structure and function (PolyPhen-2) suggests that this variant is likely to be disruptive. In summary, the available evidence is currently insufficient to determine the role of this variant in disease. Therefore, it has been classified as a Variant of Uncertain Significance.

Ambry Genetics
Classification: Uncertain significance for Hereditary cancer-predisposing syndrome. Last evaluated: 2025-02-18. Review status: criteria provided, single submitter. Criteria: Ambry Variant Classification Scheme 2023. Collection method: clinical testing. Allele origin: germline.
Comment: The p.A1201V variant (also known as c.3602C>T), located in coding exon 28 of the EGFR gene, results from a C to T substitution at nucleotide position 3602. The alanine at codon 1201 is replaced by valine, an amino acid with similar properties. This amino acid position is well conserved in available vertebrate species. In addition, this alteration is predicted to be tolerated by in silico analysis. Based on the available evidence, the clinical significance of this variant remains unclear.